The following is an entry in ClinVar:

NM_000069.3(CACNA1S):c.3891del (p.Thr1298fs)

Gene: CACNA1S (calcium voltage-gated channel subunit alpha1 S; minus strand). Cytogenetic location: 1q32.1.
Variant type: Deletion.
Coding change: c.3891del on transcript NM_000069.3 (MANE Select); coding-DNA position 3891, one base deleted (G; older notation c.3891delG).
Protein change: p.Thr1298fs; shifts the reading frame from threonine 1298.
Molecular consequence: frameshift variant.
Genome position (GRCh38, 1-based): chr1:201,052,619, C deleted on the plus strand (G on the coding strand, the reverse complement: CACNA1S is on the minus strand); the first of 3 consecutive C bases (chr1:201,052,619-201,052,621); deleting any one gives the same sequence. VCF-style (leftmost placement, unchanged base first): chr1-201052618-TC-T. GRCh37 (hg19) VCF-style: chr1-201021746-TC-T.
Other names: short protein forms T1298fs.
Identifiers: ClinVar variation 4787188 (VCV004787188.1).
Genomic context (GRCh38, chr1:201,052,618, plus strand): 5'-TGAAGAGCAGTAGCACAGCTTGTGGGAAGGTCTGGAAGTTGTTGTTCCGGTTTATTTGGG[TC>T]CCATCCACCAAGGCGATCTTCCCAAACATCTGCAAGTCACAAAGGGCCCTGACTGTGGAA-3'

ClinVar aggregate classification (germline): Pathogenic (1 of 4 stars; one submission).

Conditions:
Malignant hyperthermia, susceptibility to, 5 (MHS5). Also called: CACNA1S-Related Malignant Hyperthermia Susceptibility. Identifiers: Orphanet 423, MedGen C1866077, MONDO:0011163, OMIM 601887.
Hypokalemic periodic paralysis, type 1. Also called: HypoPP; Hypokalemic Periodic Paralysis Type 1 (AD). Identifiers: Orphanet 681, MedGen C3714580, MONDO:0042979, OMIM 170400.

Submission:

Labcorp Genetics (formerly Invitae), Labcorp
Classification: Pathogenic for Hypokalemic periodic paralysis, type 1; Malignant hyperthermia, susceptibility to, 5. Last evaluated: 2026-01-05. Review status: criteria provided, single submitter. Criteria: Invitae Variant Classification Sherloc (09022015). Collection method: clinical testing. Allele origin: germline.
Comment: This sequence change creates a premature translational stop signal (p.Thr1298Profs*3) in the CACNA1S gene. It is expected to result in an absent or disrupted protein product. Loss-of-function variants in CACNA1S are known to be pathogenic (PMID: 26247046, 28012042). This variant is not present in population databases (gnomAD no frequency). This variant has not been reported in the literature in individuals affected with CACNA1S-related conditions. Algorithms developed to predict the effect of sequence changes on RNA splicing suggest that this variant may disrupt the consensus splice site. For these reasons, this variant has been classified as Pathogenic.

Literature cited by the submitters: PubMed 26247046; PubMed 28012042.